The following is an entry in ClinVar:

NM_001283009.2(RTEL1):c.1133G>A (p.Gly378Glu)

Genes: RTEL1 (regulator of telomere elongation helicase 1; plus strand), RTEL1-TNFRSF6B (RTEL1-TNFRSF6B readthrough (NMD candidate); plus strand). Cytogenetic location: 20q13.33.
Variant type: single nucleotide variant.
Coding change: c.1133G>A on transcript NM_001283009.2 (MANE Select); coding-DNA position 1133, G replaced by A.
Protein change: p.Gly378Glu; replaces glycine 378 with glutamic acid.
Molecular consequence: missense variant. On other transcripts: non-coding transcript variant (1).
Genome position (GRCh38, 1-based): chr20:63,679,944, G>A. VCF-style: chr20-63679944-G-A. GRCh37 (hg19) VCF-style: chr20-62311297-G-A.
Other names: c.464G>A, p.Gly155Glu (NM_001283010.1); c.1133G>A, p.Gly378Glu (NM_016434.4); c.1205G>A, p.Gly402Glu (NM_032957.5); short protein forms G155E, G378E, G402E.
Identifiers: ClinVar variation 2938996 (VCV002938996.4), dbSNP rs2517068847, ClinGen allele CA409674072.
Genomic context (GRCh38, chr20:63,679,944, plus strand): 5'-CGTTTCAGACCAAGGGCTGCATCCTGGACTCGCTGGACCAGATCATCCAGCACCTGGCAG[G>A]ACGTGAGTGCTGGCACGGGGTCTTTGGTGCGGGCAAATGTGGCGTAGGGGGTGCAGCAGG-3'
Protein context (NP_001269938.1, residues 368-388): SLDQIIQHLA[Gly378Glu]RAGVFTNTAG

ClinVar aggregate classification (germline): Uncertain significance. Review status: criteria provided, multiple submitters, no conflicts (2 of 4 stars). 2 submissions from 2 submitters: Uncertain significance (2). Last evaluated 2025-04-18.

Conditions:
Pulmonary fibrosis and/or bone marrow failure, Telomere-related, 3. Also called: PULMONARY FIBROSIS AND/OR BONE MARROW FAILURE SYNDROME, TELOMERE-RELATED, 3. Identifiers: Orphanet 2032, MedGen C4225346, MONDO:0014613, OMIM 616373.
Dyskeratosis congenita, autosomal recessive 5 (DKCB5). Identifiers: MedGen C3554656, MONDO:0014076, OMIM 615190.
Inborn genetic diseases. Identifiers: MedGen C0950123, MeSH D030342.

Submissions (2):

Ambry Genetics
Classification: Uncertain significance for Inborn genetic diseases. Last evaluated: 2025-04-18. Review status: criteria provided, single submitter. Criteria: Ambry Variant Classification Scheme 2023. Collection method: clinical testing. Allele origin: germline.
Comment: The p.G378E variant (also known as c.1133G>A), located in coding exon 12 of the RTEL1 gene, results from a G to A substitution at nucleotide position 1133. The glycine at codon 378 is replaced by glutamic acid, an amino acid with similar properties. This amino acid position is conserved. In addition, the in silico prediction for this alteration is inconclusive. Based on the available evidence, the clinical significance of this variant remains unclear.

Labcorp Genetics (formerly Invitae), Labcorp
Classification: Uncertain significance for Dyskeratosis congenita, autosomal recessive 5; Pulmonary fibrosis and/or bone marrow failure, Telomere-related, 3. Last evaluated: 2023-05-09. Review status: criteria provided, single submitter. Criteria: Invitae Variant Classification Sherloc (09022015). Collection method: clinical testing. Allele origin: germline.
Comment: This sequence change replaces glycine, which is neutral and non-polar, with glutamic acid, which is acidic and polar, at codon 378 of the RTEL1 protein (p.Gly378Glu). This variant has not been reported in the literature in individuals affected with RTEL1-related conditions. In summary, the available evidence is currently insufficient to determine the role of this variant in disease. Therefore, it has been classified as a Variant of Uncertain Significance. An algorithm developed to predict the effect of missense changes on protein structure and function (PolyPhen-2) suggests that this variant is likely to be tolerated. This variant is not present in population databases (gnomAD no frequency).